The following is an entry in ClinVar:

NM_198578.4(LRRK2):c.4328C>A (p.Ser1443Tyr)

Gene: LRRK2 (leucine rich repeat kinase 2; plus strand). Cytogenetic location: 12q12.
Variant type: single nucleotide variant.
Coding change: c.4328C>A on transcript NM_198578.4 (MANE Select); coding-DNA position 4328, C replaced by A.
Protein change: p.Ser1443Tyr; replaces serine 1443 with tyrosine.
Molecular consequence: missense variant.
Genome position (GRCh38, 1-based): chr12:40,310,441, C>A. VCF-style: chr12-40310441-C-A. GRCh37 (hg19) VCF-style: chr12-40704243-C-A.
Other names: short protein forms S1443Y.
Identifiers: ClinVar variation 2453066 (VCV002453066.2), dbSNP rs764213934, ClinGen allele CA384418273.

ClinVar aggregate classification (germline): Uncertain significance (1 of 4 stars; one submission).

Conditions:
Inborn genetic diseases. Identifiers: MedGen C0950123, MeSH D030342.

Submission:

Ambry Genetics
Classification: Uncertain significance for Inborn genetic diseases. Last evaluated: 2022-12-23. Review status: criteria provided, single submitter. Criteria: Ambry Variant Classification Scheme 2023. Collection method: clinical testing. Allele origin: germline.
Comment: The p.S1443Y variant (also known as c.4328C>A), located in coding exon 31 of the LRRK2 gene, results from a C to A substitution at nucleotide position 4328. The serine at codon 1443 is replaced by tyrosine, an amino acid with dissimilar properties. This amino acid position is conserved. In addition, the in silico prediction for this alteration is inconclusive. Since supporting evidence is limited at this time, the clinical significance of this alteration remains unclear.